The following is an entry in ClinVar:

ClinVar aggregate classification (germline): Pathogenic. Review status: criteria provided, single submitter (1 of 4 stars). 2 submissions from 2 submitters: Pathogenic (1). 1 of the submissions does not count toward it. Last evaluated 2022-02-21.

Conditions:
Intellectual developmental disorder with dysmorphic facies and ptosis (IDDDFP). Identifiers: Orphanet 698090, MedGen C4310617, MONDO:0015022, OMIM 617333.

Allele frequency attached by ClinVar (database versions not stated): gnomAD 0.00001.
gnomAD v4.1: 1 of 1,614,014 alleles (0.000062%); no homozygotes.

Submissions (2):

GeneDx
Classification: Pathogenic. Last evaluated: 2022-02-21. Review status: criteria provided, single submitter. Criteria: GeneDx Variant Classification Process June 2021. Collection method: clinical testing. Allele origin: germline. Affected: yes.
Comment: Published functional studies demonstrate that the R833* variant results in a truncated protein with abnormal subcellular localization (Yan et al., 2017); Nonsense variant in the C-terminus predicted to result in protein truncation, as the last 388 amino acids are lost, and other loss-of-function variants have been reported downstream in HGMD; Not observed at significant frequency in large population cohorts (gnomAD); This variant is associated with the following publications: (PMID: 27939639, 28135719, 33144682, 27939640, 31785789, 32010779)

OMIM
Classification: Pathogenic for INTELLECTUAL DEVELOPMENTAL DISORDER WITH DYSMORPHIC FACIES AND PTOSIS. Last evaluated: 2017-02-09. Review status: no assertion criteria provided. Collection method: literature only. Allele origin: germline. Not counted in ClinVar's aggregate classification.

Literature cited by the submitters: PubMed 27939640 (cited by OMIM).

NM_001003694.2(BRPF1):c.2497C>T (p.Arg833Ter)

Gene: BRPF1 (bromodomain and PHD finger containing 1; plus strand). Cytogenetic location: 3p25.3.
Variant type: single nucleotide variant.
Coding change: c.2497C>T on transcript NM_001003694.2 (MANE Select); coding-DNA position 2497, C replaced by T.
Protein change: p.Arg833Ter; replaces arginine 833 with a stop codon.
Molecular consequence: nonsense. On other transcripts: non-coding transcript variant (1).
Genome position (GRCh38, 1-based): chr3:9,743,763, C>T. VCF-style: chr3-9743763-C-T. GRCh37 (hg19) VCF-style: chr3-9785447-C-T.
Other names: c.2479C>T, p.Arg827Ter (NM_001319049.2, NM_004634.3); c.2476C>T, p.Arg826Ter (NM_001319050.2); short protein forms R833*, R827*, R826*.
Identifiers: ClinVar variation 375487 (VCV000375487.5), dbSNP rs1057519512, ClinGen allele CA16044290.
Genomic context (GRCh38, chr3:9,743,763, plus strand): 5'-CGGCGTGCAAAGATGATCAAGAAAGAGATGACGGCACTGCGGCGGAAGCTTGCCCATCAG[C>T]GAGAGACGGGACGTGATGGCCCTGAGCGGCATGGCCCCTCGAGCCGGGGTAGTCTGACAC-3'